The following is an entry in ClinVar:

NM_001042492.3(NF1):c.4550A>C (p.Lys1517Thr)

Gene: NF1 (neurofibromin 1; plus strand). Cytogenetic location: 17q11.2.
Variant type: single nucleotide variant.
Coding change: c.4550A>C on transcript NM_001042492.3 (MANE Select); coding-DNA position 4550, A replaced by C.
Protein change: p.Lys1517Thr; replaces lysine 1517 with threonine.
Molecular consequence: missense variant.
Genome position (GRCh38, 1-based): chr17:31,260,488, A>C. VCF-style: chr17-31260488-A-C. GRCh37 (hg19) VCF-style: chr17-29587506-A-C.
Other names: c.4487A>C, p.Lys1496Thr (NM_000267.4); short protein forms K1496T, K1517T.
Identifiers: ClinVar variation 3610101 (VCV003610101.2).

ClinVar aggregate classification (germline): Uncertain significance (1 of 4 stars; one submission).

Conditions:
Neurofibromatosis, type 1 (NF1). Also called: Peripheral type neurofibromatosis; NEUROFIBROMATOSIS, TYPE I, SOMATIC; VON RECKLINGHAUSEN DISEASE; Neurofibromatosis, type I. Identifiers: Orphanet 636, MedGen C0027831, MONDO:0018975, OMIM 162200. Disease mechanism: loss of function.

Submission:

Labcorp Genetics (formerly Invitae), Labcorp
Classification: Uncertain significance for Neurofibromatosis, type 1. Last evaluated: 2024-12-12. Review status: criteria provided, single submitter. Criteria: Invitae Variant Classification Sherloc (09022015). Collection method: clinical testing. Allele origin: germline.
Comment: This sequence change replaces lysine, which is basic and polar, with threonine, which is neutral and polar, at codon 1496 of the NF1 protein (p.Lys1496Thr). This variant is not present in population databases (gnomAD no frequency). This variant has not been reported in the literature in individuals affected with NF1-related conditions. Invitae Evidence Modeling of protein sequence and biophysical properties (such as structural, functional, and spatial information, amino acid conservation, physicochemical variation, residue mobility, and thermodynamic stability) has been performed for this missense variant. However, the output from this modeling did not meet the statistical confidence thresholds required to predict the impact of this variant on NF1 protein function. In summary, the available evidence is currently insufficient to determine the role of this variant in disease. Therefore, it has been classified as a Variant of Uncertain Significance.